The following is an entry in ClinVar:

NM_018418.5(SPATA7):c.1199_1203del (p.Asn400fs)

Gene: SPATA7 (spermatogenesis associated 7; plus strand). Cytogenetic location: 14q31.3.
Variant type: Deletion.
Coding change: c.1199_1203del on transcript NM_018418.5 (MANE Select); coding-DNA positions 1199 to 1203, 5 bases deleted (ATAAA; older notation c.1199_1203delATAAA).
Protein change: p.Asn400fs; shifts the reading frame from asparagine 400.
Molecular consequence: frameshift variant.
Genome position (GRCh38, 1-based): chr14:88,437,581-88,437,585, ATAAA deleted; deleting any 5 consecutive bases within chr14:88,437,578-88,437,585 gives the same sequence; the c. name uses the placement nearest the transcript's 3' end. VCF-style (leftmost placement, unchanged base first): chr14-88437577-CAAAAT-C. GRCh37 (hg19) VCF-style: chr14-88903921-CAAAAT-C.
Other names: c.1199_1203del5 (NM_018418.4); c.1103_1107del, p.Asn368fs (NM_001040428.4); short protein forms N368fs, N400fs.
Identifiers: ClinVar variation 1076781 (VCV001076781.12), dbSNP rs1436269510, ClinGen allele CA615692786.

ClinVar aggregate classification (germline): Pathogenic/Likely pathogenic. Review status: criteria provided, multiple submitters, no conflicts (2 of 4 stars). 4 submissions from 4 submitters: Pathogenic (1); Likely pathogenic (3). Last evaluated 2026-07-13.

Conditions:
SPATA7-related disorder. Also called: SPATA7-related disorders; SPATA7-related condition. Identifiers: MedGen CN239422.
Leber congenital amaurosis 3 (LCA3). Also called: SPATA7-Related Retinitis Pigmentosa. Identifiers: MedGen C1858677, MONDO:0011415, OMIM 604232.

Submissions (4):

PreventionGenetics, part of Exact Sciences
Classification: Likely pathogenic for SPATA7-related condition. Last evaluated: 2026-07-13. Review status: criteria provided, single submitter. Criteria: ACMG Guidelines, 2015. Collection method: clinical testing. Allele origin: germline.
Comment: The SPATA7 c.1199_1203del5 variant is predicted to result in a frameshift and premature protein termination (p.Asn400Thrfs*31). To our knowledge, this variant has not been reported in the literature in association with disease. This variant is present in 0.0040% of alleles in individuals of European (Finnish) descent in gnomAD, and has been reported in a carrier screen of the general population (Hanany et al. 2020. PubMed ID: 31964843). Frameshift variants in SPATA7 are an established mechanism of disease. This variant is interpreted as likely pathogenic.

Blueprint Genetics
Classification: Likely pathogenic for SPATA7-related disorders. Last evaluated: 2024-05-30. Review status: criteria provided, single submitter. Criteria: ACMG Guidelines, 2015. Collection method: clinical testing. Allele origin: germline. Affected: yes. Observed: 5 variant alleles.

Labcorp Genetics (formerly Invitae), Labcorp
Classification: Pathogenic for Leber congenital amaurosis 3. Last evaluated: 2022-10-24. Review status: criteria provided, single submitter. Criteria: Invitae Variant Classification Sherloc (09022015). Collection method: clinical testing. Allele origin: germline.
Comment: For these reasons, this variant has been classified as Pathogenic. This variant disrupts a region of the SPATA7 protein in which other variant(s) (p.Asn454Lysfs*2) have been determined to be pathogenic (Invitae). This suggests that this is a clinically significant region of the protein, and that variants that disrupt it are likely to be disease-causing. ClinVar contains an entry for this variant (Variation ID: 1076781). This variant has not been reported in the literature in individuals affected with SPATA7-related conditions. This variant is present in population databases (no rsID available, gnomAD 0.008%). This sequence change creates a premature translational stop signal (p.Asn400Thrfs*31) in the SPATA7 gene. While this is not anticipated to result in nonsense mediated decay, it is expected to disrupt the last 200 amino acid(s) of the SPATA7 protein.

Fulgent Genetics
Classification: Likely pathogenic for Leber congenital amaurosis 3. Last evaluated: 2022-03-09. Review status: criteria provided, single submitter. Criteria: ACMG Guidelines, 2015. Collection method: clinical testing. Allele origin: unknown.